The following is an entry in ClinVar:

ClinVar aggregate classification (germline): Benign/Likely benign. Review status: criteria provided, multiple submitters, no conflicts (2 of 4 stars). 3 submissions from 3 submitters: Benign (1); Likely benign (2). Last evaluated 2024-12-17.

Conditions:
Hereditary cancer-predisposing syndrome. Also called: Hereditary Cancer Syndrome; Tumor predisposition; Neoplastic Syndromes, Hereditary; Hereditary neoplastic syndrome. Identifiers: Orphanet 140162, MedGen C0027672, MeSH D009386, MONDO:0015356.
Familial cancer of breast. Also called: hereditary breast carcinoma; BREAST CANCER, FAMILIAL; Hereditary breast cancer. Identifiers: Orphanet 227535, MedGen C0346153, MONDO:0016419, OMIM 114480. Disease mechanism: loss of function.
Ataxia-telangiectasia syndrome (AT). Also called: ATAXIA-TELANGIECTASIA, COMPLEMENTATION GROUP A; ATAXIA-TELANGIECTASIA, FRESNO VARIANT; Ataxia-telangiectasia; Ataxia-telangiectasia, complementation group E; Cerebello-oculocutaneous telangiectasia; Immunodeficiency with ataxia telangiectasia. Identifiers: Orphanet 100, MedGen C0004135, MONDO:0008840, OMIM 208900.

Allele frequency attached by ClinVar (database versions not stated): gnomAD exomes below 0.00001; TOPMed below 0.00001.
gnomAD v4.1: 1 of 1,613,934 alleles (0.000062%); highest among the groups gnomAD compares: Non-Finnish European, 0.000085%; no homozygotes.

Submissions (3):

Labcorp Genetics (formerly Invitae), Labcorp
Classification: Likely benign for Ataxia-telangiectasia syndrome. Last evaluated: 2024-12-17. Review status: criteria provided, single submitter. Criteria: Invitae Variant Classification Sherloc (09022015). Collection method: clinical testing. Allele origin: germline.

Myriad Genetics, Inc.
Classification: Benign for Familial cancer of breast. Last evaluated: 2024-06-17. Review status: criteria provided, single submitter. Criteria: Myriad Autosomal Dominant, Autosomal Recessive and X-Linked Classification Criteria (2023). Collection method: clinical testing. Allele origin: unknown.
Comment: This variant is considered benign. This variant is a silent/synonymous amino acid change and it is not expected to impact splicing.

Ambry Genetics
Classification: Likely benign for Hereditary cancer-predisposing syndrome. Last evaluated: 2017-04-19. Review status: criteria provided, single submitter. Criteria: Ambry Variant Classification Scheme 2023. Collection method: clinical testing. Allele origin: germline.

NM_000051.4(ATM):c.7701C>T (p.Asn2567=)

Genes: ATM (ATM serine/threonine kinase; plus strand), C11orf65 (chromosome 11 open reading frame 65; minus strand). Cytogenetic location: 11q22.3.
Variant type: single nucleotide variant.
Coding change: c.7701C>T on transcript NM_000051.4 (MANE Select); coding-DNA position 7701, C replaced by T.
Protein change: p.Asn2567=; no amino-acid change (asparagine 2567 retained).
Molecular consequence: synonymous variant. On other transcripts: intron variant (2).
Genome position (GRCh38, 1-based): chr11:108,331,950, C>T. VCF-style: chr11-108331950-C-T. GRCh37 (hg19) VCF-style: chr11-108202677-C-T.
Other names: c.7701C>T, p.Asn2567= (NM_001351834.2); c.641-22879G>A (NM_001330368.2); c.*38+3270G>A (NM_001351110.2).
Identifiers: ClinVar variation 184715 (VCV000184715.12), dbSNP rs786201637, ClinGen allele CA189809.